The following is an entry in ClinVar:

ClinVar aggregate classification (germline): Uncertain significance (1 of 4 stars; one submission).

Submission:

Labcorp Genetics (formerly Invitae), Labcorp
Classification: Uncertain significance. Last evaluated: 2023-12-28. Review status: criteria provided, single submitter. Criteria: Invitae Variant Classification Sherloc (09022015). Collection method: clinical testing. Allele origin: germline.
Comment: This sequence change replaces leucine, which is neutral and non-polar, with arginine, which is basic and polar, at codon 1180 of the PKD1L1 protein (p.Leu1180Arg). This variant is not present in population databases (gnomAD no frequency). This variant has not been reported in the literature in individuals affected with PKD1L1-related conditions. Advanced modeling of protein sequence and biophysical properties (such as structural, functional, and spatial information, amino acid conservation, physicochemical variation, residue mobility, and thermodynamic stability) performed at Invitae indicates that this missense variant is not expected to disrupt PKD1L1 protein function with a negative predictive value of 80%. In summary, the available evidence is currently insufficient to determine the role of this variant in disease. Therefore, it has been classified as a Variant of Uncertain Significance.

NM_138295.5(PKD1L1):c.3539T>G (p.Leu1180Arg)

Gene: PKD1L1 (polycystin 1 like 1, transient receptor potential channel interacting; minus strand). Cytogenetic location: 7p12.3.
Variant type: single nucleotide variant.
Coding change: c.3539T>G on transcript NM_138295.5 (MANE Select); coding-DNA position 3539, T replaced by G.
Protein change: p.Leu1180Arg; replaces leucine 1180 with arginine.
Molecular consequence: missense variant.
Genome position (GRCh38, 1-based): chr7:47,877,613, A>C on the plus strand (T>G on the coding strand, the complement: PKD1L1 is on the minus strand). VCF-style: chr7-47877613-A-C. GRCh37 (hg19) VCF-style: chr7-47917211-A-C.
Other names: short protein forms L1180R.
Identifiers: ClinVar variation 2770699 (VCV002770699.3), dbSNP rs2484058316, ClinGen allele CA367478370.
Genomic context (GRCh38, chr7:47,877,613, plus strand): 5'-ACCTGACAGGCCATGTCCCGAGGAGCCGGGTTGACTGTCAAGTACAGCTGAGCTTTACCC[A>C]GTAAGCCATGCTTCGAAGCTAAAGAGAAAGATGAAGCAGCGGTTTCACCCATGATGGAGA-3'
Protein context (NP_612152.1, residues 1170-1190): QVSVASKHGL[Leu1180Arg]GKAQLYLTVN